The following is an entry in ClinVar:

ClinVar aggregate classification (germline): Benign. Review status: criteria provided, single submitter (1 of 4 stars). 2 submissions from 2 submitters: Benign (1). 1 of the submissions does not count toward it. Last evaluated 2026-04-27.

Conditions:
Aspartylglucosaminuria (AGU). Also called: AGA DEFICIENCY; GLYCOASPARAGINASE; GLYCOSYLASPARAGINASE DEFICIENCY; Aspartylglucos-aminuria; Aspartylglucos-amidase (AGA) deficiency. Identifiers: Orphanet 93, MedGen C0268225, MONDO:0008830, OMIM 208400, HP:0012068.

Allele frequency attached by ClinVar (database versions not stated): ExAC 0.00086; 1000 Genomes Project 0.00220; gnomAD 0.00239 and 0.00255; ESP Exome Variant Server 0.00254; TOPMed 0.00259; 1000 Genomes Project 30x 0.00265; gnomAD exomes 0.00019 and 0.00059.

Submissions (2):

Women's Health and Genetics/Laboratory Corporation of America, LabCorp
Classification: Benign. Last evaluated: 2026-04-27. Review status: criteria provided, single submitter. Criteria: LabCorp Variant Classification Summary - May 2015. Collection method: clinical testing. Allele origin: germline.
Comment: Variant summary: AGA c.*8T>C is located in the untranslated mRNA region downstream of the termination codon. The variant allele was found at a frequency of 0.00059 in 250760 control chromosomes, predominantly at a frequency of 0.0086 within the African or African-American subpopulation in the gnomAD database. The observed variant frequency within African or African-American control individuals in the gnomAD database exceeds the estimated maximal expected allele frequency for disease-causing variants in AGA, providing supporting evidence for a benign role. To our knowledge, no occurrence of c.*8T>C in individuals affected with AGA-related conditions and no experimental evidence demonstrating its impact on protein function have been reported. ClinVar contains an entry for this variant (Variation ID: 348227). Based on the evidence outlined above, the variant was classified as benign.

Natera, Inc.
Classification: Uncertain significance for Aspartylglucosaminuria. Last evaluated: 2020-04-16. Review status: no assertion criteria provided. Collection method: clinical testing. Allele origin: germline. Not counted in ClinVar's aggregate classification.

NM_000027.4(AGA):c.*8T>C

Gene: AGA (aspartylglucosaminidase; minus strand). Cytogenetic location: 4q34.3.
Variant type: single nucleotide variant.
Coding change: c.*8T>C on transcript NM_000027.4 (MANE Select); 8 bases downstream of the stop codon, T replaced by C.
Molecular consequence: 3 prime UTR variant. On other transcripts: non-coding transcript variant (1).
Genome position (GRCh38, 1-based): chr4:177,431,700, A>G on the plus strand (T>C on the coding strand, the complement: AGA is on the minus strand). VCF-style: chr4-177431700-A-G. GRCh37 (hg19) VCF-style: chr4-178352854-A-G.
Other names: c.*8T>C (NM_001171988.2).
Identifiers: ClinVar variation 348227 (VCV000348227.7), dbSNP rs112307209, ClinGen allele CA3146715.